The following is an entry in ClinVar:

ClinVar aggregate classification (germline): Benign (0 of 4 stars; one submission).

Conditions:
DCHS2-related disorder. Also called: DCHS2-related condition.

Submission:

PreventionGenetics, part of Exact Sciences
Classification: Benign for DCHS2-related condition. Last evaluated: 2019-02-18. Review status: no assertion criteria provided. Collection method: clinical testing. Allele origin: germline.
Comment: This variant is classified as benign based on ACMG/AMP sequence variant interpretation guidelines (Richards et al. 2015 PMID: 25741868, with internal and published modifications).

NM_001358235.2(DCHS2):c.4019-847del

Gene: DCHS2 (dachsous cadherin-related 2; minus strand). Cytogenetic location: 4q31.3.
Variant type: Deletion.
Coding change: c.4019-847del on transcript NM_001358235.2 (MANE Select); 847 bases into the intron before coding-DNA position 4019, one base deleted (T; older notation c.4019-847delT).
Molecular consequence: intron variant.
Genome position (GRCh38, 1-based): chr4:154,323,335, A deleted on the plus strand (T on the coding strand, the reverse complement: DCHS2 is on the minus strand); the first of 15 consecutive A bases (chr4:154,323,335-154,323,349); deleting any one gives the same sequence. VCF-style (leftmost placement, unchanged base first): chr4-154323334-CA-C. GRCh37 (hg19) VCF-style: chr4-155244486-CA-C.
Other names: c.4019-6del (NM_001142552.2).
Identifiers: ClinVar variation 3059718 (VCV003059718.2), dbSNP rs145036588, ClinGen allele CA3112992.